The following is an entry in ClinVar:

ClinVar aggregate classification (germline): Uncertain significance (1 of 4 stars; one submission).

Allele frequency attached by ClinVar (database versions not stated): gnomAD exomes below 0.00001.
gnomAD v4.1: 2 of 1,611,710 alleles (0.00012%); highest among the groups gnomAD compares: Non-Finnish European, 0.00017%; no homozygotes.

Submission:

Labcorp Genetics (formerly Invitae), Labcorp
Classification: Uncertain significance. Last evaluated: 2023-10-04. Review status: criteria provided, single submitter. Criteria: Invitae Variant Classification Sherloc (09022015). Collection method: clinical testing. Allele origin: germline.
Comment: This sequence change replaces aspartic acid, which is acidic and polar, with valine, which is neutral and non-polar, at codon 642 of the LZTR1 protein (p.Asp642Val). This variant is not present in population databases (gnomAD no frequency). This variant has not been reported in the literature in individuals affected with LZTR1-related conditions. Advanced modeling of protein sequence and biophysical properties (such as structural, functional, and spatial information, amino acid conservation, physicochemical variation, residue mobility, and thermodynamic stability) performed at Invitae indicates that this missense variant is not expected to disrupt LZTR1 protein function. In summary, the available evidence is currently insufficient to determine the role of this variant in disease. Therefore, it has been classified as a Variant of Uncertain Significance.

NM_006767.4(LZTR1):c.1925A>T (p.Asp642Val)

Gene: LZTR1 (leucine zipper like post translational regulator 1; plus strand). Cytogenetic location: 22q11.21.
Variant type: single nucleotide variant.
Coding change: c.1925A>T on transcript NM_006767.4 (MANE Select); coding-DNA position 1925, A replaced by T.
Protein change: p.Asp642Val; replaces aspartic acid 642 with valine.
Molecular consequence: missense variant.
Genome position (GRCh38, 1-based): chr22:20,995,009, A>T. VCF-style: chr22-20995009-A-T. GRCh37 (hg19) VCF-style: chr22-21349298-A-T.
Other names: short protein forms D642V.
Identifiers: ClinVar variation 2742305 (VCV002742305.3), dbSNP rs761930964, ClinGen allele CA410778739.